The following is an entry in ClinVar:

NM_006755.2(TALDO1):c.637+96G>A

Genes: TALDO1 (transaldolase 1; plus strand), LOC126861110 (CDK7 strongly-dependent group 2 enhancer GRCh37_chr11:762588-763787; plus strand). Cytogenetic location: 11p15.5.
Variant type: single nucleotide variant.
Coding change: c.637+96G>A on transcript NM_006755.2 (MANE Select); 96 bases into the intron after coding-DNA position 637, G replaced by A.
Molecular consequence: intron variant.
Genome position (GRCh38, 1-based): chr11:763,615, G>A. VCF-style: chr11-763615-G-A. GRCh37 (hg19) VCF-style: chr11-763615-G-A.
Identifiers: ClinVar variation 3775719 (VCV003775719.1).

ClinVar aggregate classification (germline): Uncertain significance (1 of 4 stars; one submission).

Conditions:
Deficiency of transaldolase. Also called: EYAID SYNDROME. Identifiers: Orphanet 101028, MedGen C1291329, MONDO:0011624, OMIM 606003.

Submission:

3billion
Classification: Uncertain significance for Deficiency of transaldolase. Last evaluated: 2024-03-07. Review status: criteria provided, single submitter. Criteria: ACMG Guidelines, 2015. Collection method: clinical testing. Allele origin: germline. Affected: yes.
Comment: The variant is not observed in the gnomAD v2.1.1 dataset. Predicted Consequence/Location: Intron variant In silico tools predict the variant to alter splicing and produce an abnormal transcript [SpliceAI: 0.24 (>=0.2, moderate evidence for spliceogenicity)]. Therefore, this variant is classified as VUS according to the recommendation of ACMG/AMP guideline.